The following is an entry in ClinVar:

NM_001715.3(BLK):c.668C>T (p.Pro223Leu)

Genes: BLK (BLK proto-oncogene, Src family tyrosine kinase), BLK-AS1 (BLK antisense RNA 1). Cytogenetic location: 8p23.1.
Variant type: single nucleotide variant.
Coding change: c.668C>T on transcript NM_001715.3 (MANE Select); coding-DNA position 668, C replaced by T.
Protein change: p.Pro223Leu; replaces proline 223 with leucine.
Molecular consequence: missense variant.
Genome position (GRCh38, 1-based): chr8:11,555,380, C>T. VCF-style: chr8-11555380-C-T. GRCh37 (hg19) VCF-style: chr8-11412889-C-T.
Other names: c.455C>T, p.Pro152Leu (NM_001330465.2); short protein forms P152L, P223L.
Identifiers: ClinVar variation 909059 (VCV000909059.11), dbSNP rs202028021, ClinGen allele CA4630029.

ClinVar aggregate classification (germline): Conflicting classifications of pathogenicity. Review status: criteria provided, conflicting classifications (1 of 4 stars). 3 submissions from 3 submitters: Uncertain significance (1); Likely benign (2). Last evaluated 2025-11-01.

Conditions:
Maturity-onset diabetes of the young type 11. Identifiers: Orphanet 552, MedGen C3150618, MONDO:0013242, OMIM 613375.
Monogenic diabetes. Identifiers: Orphanet 183625, MedGen C3888631, MONDO:0015967.

Allele frequency attached by ClinVar (database versions not stated): TOPMed 0.00010; 1000 Genomes Project 30x 0.00016; 1000 Genomes Project 0.00020; ExAC 0.00002; ESP Exome Variant Server 0.00008.
gnomAD v4.1: 45 of 1,614,142 alleles (0.0028%); highest among the groups gnomAD compares: African/African-American, 0.019%; no homozygotes.

Submissions (3):

CeGaT Center for Human Genetics Tuebingen
Classification: Likely benign. Last evaluated: 2025-11-01. Review status: criteria provided, single submitter. Criteria: CeGaT Center For Human Genetics Tuebingen Variant Classification Criteria Version 2. Collection method: clinical testing. Allele origin: germline. Affected: yes. Observed: 1 variant allele.
Comment: BLK: BP4, BS2

Department of Pathology and Laboratory Medicine, Sinai Health System
Classification: Uncertain significance for monogenic diabetes. Last evaluated: 2020-05-19. Review status: criteria provided, single submitter. Criteria: ACMG Guidelines, 2015. Collection method: research. Allele origin: germline.

Illumina Laboratory Services, Illumina
Classification: Likely benign for Maturity-onset diabetes of the young type 11. Last evaluated: 2018-01-13. Review status: criteria provided, single submitter. Criteria: ICSL Variant Classification Criteria 13 December 2019. Collection method: clinical testing. Allele origin: germline.
Comment: This variant was observed in the ICSL laboratory as part of a predisposition screen in an ostensibly healthy population. It had not been previously curated by ICSL or reported in the Human Gene Mutation Database (HGMD: prior to June 1st, 2018), and was therefore a candidate for classification through an automated scoring system. Utilizing variant allele frequency, disease prevalence and penetrance estimates, and inheritance mode, an automated score was calculated to assess if this variant is too frequent to cause the disease. Based on the score and internal cut-off values, a variant classified as likely benign is not then subjected to further curation. The score for this variant resulted in a classification of likely benign for this disease.